The following is an entry in ClinVar:

ClinVar aggregate classification (germline): Uncertain significance (1 of 4 stars; one submission).

Submission:

GeneDx
Classification: Uncertain significance. Last evaluated: 2025-03-09. Review status: criteria provided, single submitter. Criteria: GeneDx Variant Classification Process June 2021. Collection method: clinical testing. Allele origin: germline. Affected: yes.
Comment: Not observed at significant frequency in large population cohorts (gnomAD); In silico analysis supports that this missense variant has a deleterious effect on protein structure/function; Has not been previously published as pathogenic or benign to our knowledge; This variant is associated with the following publications: (PMID: 27839871)

NM_001134407.3(GRIN2A):c.2067C>G (p.Ser689Arg)

Gene: GRIN2A (glutamate ionotropic receptor NMDA type subunit 2A; minus strand). Cytogenetic location: 16p13.2.
Variant type: single nucleotide variant.
Coding change: c.2067C>G on transcript NM_001134407.3 (MANE Select); coding-DNA position 2067, C replaced by G.
Protein change: p.Ser689Arg; replaces serine 689 with arginine.
Molecular consequence: missense variant.
Genome position (GRCh38, 1-based): chr16:9,822,365, G>C on the plus strand (C>G on the coding strand, the complement: GRIN2A is on the minus strand). VCF-style: chr16-9822365-G-C. GRCh37 (hg19) VCF-style: chr16-9916222-G-C.
Other names: c.2067C>G, p.Ser689Arg (NM_000833.5, NM_001134408.2); short protein forms S689R.
Identifiers: ClinVar variation 4082865 (VCV004082865.1).